The following is an entry in ClinVar:

ClinVar aggregate classification (germline): Uncertain significance (1 of 4 stars; one submission).

Submission:

Labcorp Genetics (formerly Invitae), Labcorp
Classification: Uncertain significance. Last evaluated: 2025-01-27. Review status: criteria provided, single submitter. Criteria: Invitae Variant Classification Sherloc (09022015). Collection method: clinical testing. Allele origin: germline.
Comment: This sequence change replaces tryptophan, which is neutral and slightly polar, with cysteine, which is neutral and slightly polar, at codon 384 of the LOXL3 protein (p.Trp384Cys). This variant is not present in population databases (gnomAD no frequency). This variant has not been reported in the literature in individuals affected with LOXL3-related conditions. ClinVar contains an entry for this variant (Variation ID: 2099515). An algorithm developed to predict the effect of missense changes on protein structure and function (PolyPhen-2) suggests that this variant is likely to be disruptive. Algorithms developed to predict the effect of sequence changes on RNA splicing suggest that this variant may disrupt the consensus splice site. In summary, the available evidence is currently insufficient to determine the role of this variant in disease. Therefore, it has been classified as a Variant of Uncertain Significance.

NM_032603.5(LOXL3):c.1152G>T (p.Trp384Cys)

Gene: LOXL3 (lysyl oxidase like 3; minus strand). Cytogenetic location: 2p13.1.
Variant type: single nucleotide variant.
Coding change: c.1152G>T on transcript NM_032603.5 (MANE Select); coding-DNA position 1152, G replaced by T.
Protein change: p.Trp384Cys; replaces tryptophan 384 with cysteine.
Molecular consequence: missense variant.
Genome position (GRCh38, 1-based): chr2:74,536,092, C>A on the plus strand (G>T on the coding strand, the complement: LOXL3 is on the minus strand). VCF-style: chr2-74536092-C-A. GRCh37 (hg19) VCF-style: chr2-74763219-C-A.
Other names: c.717G>T, p.Trp239Cys (NM_001289164.3); c.69G>T, p.Trp23Cys (NM_001289165.2); short protein forms W239C, W384C, W23C.
Identifiers: ClinVar variation 2099515 (VCV002099515.4), dbSNP rs2529944983, ClinGen allele CA347388693.